The following is an entry in ClinVar:

ClinVar aggregate classification (germline): Pathogenic. Review status: criteria provided, multiple submitters, no conflicts (2 of 4 stars). 2 submissions from 2 submitters: Pathogenic (2). Last evaluated 2024-02-21.

Conditions:
RP1-related disorder. Also called: RP1-related condition.

Submissions (2):

Blueprint Genetics
Classification: Pathogenic for RP1-related disorders. Last evaluated: 2024-02-21. Review status: criteria provided, single submitter. Criteria: ACMG Guidelines, 2015. Collection method: clinical testing. Allele origin: germline. Affected: yes. Observed: 5 variant alleles.

Labcorp Genetics (formerly Invitae), Labcorp
Classification: Pathogenic. Last evaluated: 2021-04-10. Review status: criteria provided, single submitter. Criteria: Invitae Variant Classification Sherloc (09022015). Collection method: clinical testing. Allele origin: germline.
Comment: For these reasons, this variant has been classified as Pathogenic. This variant disrupts the C-terminus of the RP1 protein. Other variant(s) that disrupt this region (p.Arg1933*) have been determined to be pathogenic (PMID: 30913292). This suggests that variants that disrupt this region of the protein are likely to be causative of disease. This variant has been observed in individual(s) with autosomal dominant retinitis pigmentosa (PMID: 27624628). It has also been observed to segregate with disease in related individuals. ClinVar contains an entry for this variant (Variation ID: 934734). This variant is not present in population databases (ExAC no frequency). This sequence change creates a premature translational stop signal (p.Asn783Lysfs*2) in the RP1 gene. While this is not anticipated to result in nonsense mediated decay, it is expected to disrupt the last 1374 amino acid(s) of the RP1 protein.

Literature cited by the submitters: PubMed 30913292 (cited by Labcorp Genetics (formerly Invitae), Labcorp); PubMed 27624628 (cited by Labcorp Genetics (formerly Invitae), Labcorp).

NM_006269.2(RP1):c.2348dup (p.Asn783fs)

Gene: RP1 (RP1 axonemal microtubule associated; plus strand). Cytogenetic location: 8q12.1.
Variant type: Duplication.
Coding change: c.2348dup on transcript NM_006269.2 (MANE Select); coding-DNA position 2348, one base duplicated (A; older notation c.2348dupA).
Protein change: p.Asn783fs; shifts the reading frame from asparagine 783.
Molecular consequence: frameshift variant. On other transcripts: intron variant (1).
Genome position (GRCh38, 1-based): chr8:54,626,230, A duplicated; the last of 3 consecutive A bases (chr8:54,626,228-54,626,230); duplicating any one gives the same sequence. VCF-style (leftmost placement, unchanged base first): chr8-54626227-T-TA. GRCh37 (hg19) VCF-style: chr8-55538787-T-TA.
Other names: c.787+3942dup (NM_001375654.1); short protein forms N783fs.
Identifiers: ClinVar variation 934734 (VCV000934734.10), dbSNP rs1806042579, ClinGen allele CA1139660534.